The following is an entry in ClinVar:

NM_001376.5(DYNC1H1):c.2211T>A (p.Val737=)

Gene: DYNC1H1 (dynein cytoplasmic 1 heavy chain 1; plus strand). Cytogenetic location: 14q32.31.
Variant type: single nucleotide variant.
Coding change: c.2211T>A on transcript NM_001376.5 (MANE Select); coding-DNA position 2211, T replaced by A.
Protein change: p.Val737=; no amino-acid change (valine 737 retained).
Molecular consequence: synonymous variant.
Genome position (GRCh38, 1-based): chr14:101,986,436, T>A. VCF-style: chr14-101986436-T-A. GRCh37 (hg19) VCF-style: chr14-102452773-T-A.
Other names: p.Val737=.
Identifiers: ClinVar variation 312623 (VCV000312623.50), dbSNP rs149902566, ClinGen allele CA7351785.

ClinVar aggregate classification (germline): Conflicting classifications of pathogenicity. Review status: criteria provided, conflicting classifications (1 of 4 stars). 12 submissions from 11 submitters: Uncertain significance (1); Likely benign (9). 2 of the submissions do not count toward it. Last evaluated 2025-12-01.

Conditions:
DYNC1H1-related disorder. Also called: DYNC1H1-related condition; DYNC1H1-related disorders. Identifiers: MedGen CN381529.
Autosomal dominant cerebellar ataxia. Also called: Spinocerebellar Ataxia, Dominant. Identifiers: Orphanet 99, MedGen C4087347, MONDO:0020380.
Inborn genetic diseases. Identifiers: MedGen C0950123, MeSH D030342.
Charcot-Marie-Tooth disease. Also called: Charcot-Marie-Tooth Neuropathy; Charcot-Marie-Tooth Hereditary Neuropathy. Identifiers: Orphanet 166, MedGen C0007959, MONDO:0015626.
Charcot-Marie-Tooth disease axonal type 2O. Also called: Charcot-Marie-Tooth Neuropathy Type 2O; Charcot-Marie-Tooth disease, axonal, type 20; CHARCOT-MARIE-TOOTH NEUROPATHY, AXONAL, TYPE 2O; CHARCOT-MARIE-TOOTH DISEASE, AXONAL, AUTOSOMAL DOMINANT, TYPE 2O. Identifiers: Orphanet 284232, MedGen C3280220, MONDO:0013644, OMIM 614228.

Allele frequency attached by ClinVar (database versions not stated): ESP Exome Variant Server 0.00008; gnomAD 0.00009 and 0.00010; TOPMed 0.00009; ExAC 0.00010; gnomAD exomes 0.00012 and 0.00028.
gnomAD v4.1: 410 of 1,614,022 alleles (0.025%); highest among the groups gnomAD compares: Non-Finnish European, 0.034%; no homozygotes.

Submissions (12):

Labcorp Genetics (formerly Invitae), Labcorp
Classification: Likely benign for Charcot-Marie-Tooth disease axonal type 2O. Last evaluated: 2025-12-01. Review status: criteria provided, single submitter. Criteria: Invitae Variant Classification Sherloc (09022015). Collection method: clinical testing. Allele origin: germline.

Mayo Clinic Laboratories, Mayo Clinic
Classification: Likely benign. Last evaluated: 2025-08-11. Review status: criteria provided, single submitter. Criteria: ACMG Guidelines, 2015. Collection method: clinical testing. Allele origin: germline. Observed: 2 variant alleles.
Comment: BP4, BP7

PreventionGenetics, part of Exact Sciences
Classification: Likely benign for DYNC1H1-related condition. Last evaluated: 2025-04-15. Review status: criteria provided, single submitter. Criteria: ACMG Guidelines, 2015. Collection method: clinical testing. Allele origin: germline.
Comment: This variant is classified as likely benign based on ACMG/AMP sequence variant interpretation guidelines (Richards et al. 2015 PMID: 25741868, with internal and published modifications).

Blueprint Genetics
Classification: Likely benign. Last evaluated: 2024-11-21. Review status: criteria provided, single submitter. Criteria: ACMG Guidelines, 2015. Collection method: clinical testing. Allele origin: germline.

CeGaT Center for Human Genetics Tuebingen
Classification: Likely benign. Last evaluated: 2024-11-01. Review status: criteria provided, single submitter. Criteria: CeGaT Center For Human Genetics Tuebingen Variant Classification Criteria Version 2. Collection method: clinical testing. Allele origin: germline. Affected: yes. Observed: 2 variant alleles.
Comment: DYNC1H1: BP4, BP7

GeneDx
Classification: Likely benign. Last evaluated: 2021-01-16. Review status: criteria provided, single submitter. Criteria: GeneDx Variant Classification Process June 2021. Collection method: clinical testing. Allele origin: germline. Affected: yes.

Illumina Laboratory Services, Illumina
Classification: Uncertain significance for Charcot-Marie-Tooth disease axonal type 2O. Last evaluated: 2018-01-13. Review status: criteria provided, single submitter. Criteria: ICSL Variant Classification Criteria 13 December 2019. Collection method: clinical testing. Allele origin: germline.

Illumina Laboratory Services, Illumina
Classification: Likely benign for Spinocerebellar Ataxia, Dominant. Last evaluated: 2018-01-13. Review status: criteria provided, single submitter. Criteria: ICSL Variant Classification Criteria 13 December 2019. Collection method: clinical testing. Allele origin: germline.
Comment: This variant was observed in the ICSL laboratory as part of a predisposition screen in an ostensibly healthy population. It had not been previously curated by ICSL or reported in the Human Gene Mutation Database (HGMD: prior to June 1st, 2018), and was therefore a candidate for classification through an automated scoring system. Utilizing variant allele frequency, disease prevalence and penetrance estimates, and inheritance mode, an automated score was calculated to assess if this variant is too frequent to cause the disease. Based on the score and internal cut-off values, a variant classified as likely benign is not then subjected to further curation. The score for this variant resulted in a classification of likely benign for this disease.

Ambry Genetics
Classification: Likely benign for Inborn genetic diseases. Last evaluated: 2017-05-30. Review status: criteria provided, single submitter. Criteria: Ambry Variant Classification Scheme 2023. Collection method: clinical testing. Allele origin: germline.

Molecular Genetics Laboratory, London Health Sciences Centre
Classification: Likely benign for Charcot-Marie-Tooth disease. Review status: criteria provided, single submitter. Criteria: ACMG Guidelines, 2015. Collection method: clinical testing. Allele origin: germline. Affected: yes.

Clinical Genetics, Academic Medical Center
Classification: Likely benign. Review status: no assertion criteria provided. Collection method: clinical testing. Allele origin: germline. Affected: yes. Study: VKGL Data-share Consensus. Not counted in ClinVar's aggregate classification.

Genome Diagnostics Laboratory, University Medical Center Utrecht
Classification: Likely benign. Review status: no assertion criteria provided. Collection method: clinical testing. Allele origin: germline. Affected: yes. Study: VKGL Data-share Consensus. Not counted in ClinVar's aggregate classification.